The following is an entry in ClinVar:

ClinVar aggregate classification (germline): Likely pathogenic. Review status: criteria provided, single submitter (1 of 4 stars). 2 submissions from 2 submitters: Likely pathogenic (1). 1 of the submissions does not count toward it. Last evaluated 2024-10-01.

Conditions:
Retinal dystrophy. Also called: Inherited retinal dystrophy. Identifiers: Orphanet 71862, MedGen C0854723, MeSH D058499, MONDO:0019118, HP:0000556.
Choroideremia. Also called: Chorioretinal scalloped atrophy. Identifiers: Orphanet 180, MedGen C0008525, MONDO:0010557, OMIM 303100, HP:0001139.

Submissions (2):

Lab De Baere, Eye and Developmental Genetics Lab, Ghent University
Classification: Likely pathogenic for Choroideremia. Last evaluated: 2024-10-01. Review status: criteria provided, single submitter. Criteria: ACMG Guidelines, 2015. Collection method: research. Allele origin: inherited. Affected: yes. Observed: 1 variant allele.
Comment: ACMG/AMP guidelines: PVS1_PM, PP1, PM3_PVS

Institute of Human Genetics, Univ. Regensburg, Univ. Regensburg
Classification: Pathogenic for Retinal dystrophy. Last evaluated: 2021-01-01. Review status: no assertion criteria provided. Criteria: ACMG Guidelines, 2015. Collection method: clinical testing. Allele origin: germline. Affected: yes. Not counted in ClinVar's aggregate classification.

NM_207352.4(CYP4V2):c.802-8_810del

Gene: CYP4V2 (cytochrome P450 family 4 subfamily V member 2; plus strand). Cytogenetic location: 4q35.2.
Variant type: Deletion.
Coding change: c.802-8_810del on transcript NM_207352.4 (MANE Select); 8 bases into the intron before coding-DNA position 802 through coding-DNA position 810, 17 bases deleted (TCATACAGGTCATCGCT).
Molecular consequence: splice acceptor variant.
Genome position (GRCh38, 1-based): chr4:186,201,149-186,201,165, TCATACAGGTCATCGCT deleted. VCF-style (leftmost placement, unchanged base first): chr4-186201148-ATCATACAGGTCATCGCT-A. GRCh37 (hg19) VCF-style: chr4-187122302-ATCATACAGGTCATCGCT-A.
Identifiers: ClinVar variation 3250240 (VCV003250240.2).